The following is an entry in ClinVar:

NM_000540.3(RYR1):c.4958C>G (p.Ser1653Trp)

Gene: RYR1 (ryanodine receptor 1; plus strand). Cytogenetic location: 19q13.2.
Variant type: single nucleotide variant.
Coding change: c.4958C>G on transcript NM_000540.3 (MANE Select); coding-DNA position 4958, C replaced by G.
Protein change: p.Ser1653Trp; replaces serine 1653 with tryptophan.
Molecular consequence: missense variant.
Genome position (GRCh38, 1-based): chr19:38,485,613, C>G. VCF-style: chr19-38485613-C-G. GRCh37 (hg19) VCF-style: chr19-38976253-C-G.
Other names: c.4958C>G, p.Ser1653Trp (NM_001042723.2); short protein forms S1653W.
Identifiers: ClinVar variation 3387726 (VCV003387726.2).

ClinVar aggregate classification (germline): Uncertain significance. Review status: criteria provided, multiple submitters, no conflicts (2 of 4 stars). 2 submissions from 2 submitters: Uncertain significance (2). Last evaluated 2025-06-30.

Conditions:
Malignant hyperthermia, susceptibility to, 1 (MHS1). Also called: Anesthesia related hyperthermia; Malignant hyperpyrexia; Fulminating hyperpyrexia; Pharmacogenic myopathy; RYR1-Related Malignant Hyperthermia Susceptibility; Malignant hyperthermia suceptibility 1. Identifiers: Orphanet 423, MedGen C2930980, MONDO:0007783, OMIM 145600.

Submissions (2):

Color Diagnostics, LLC DBA Color Health
Classification: Uncertain significance for Malignant hyperthermia, susceptibility to, 1. Last evaluated: 2025-06-30. Review status: criteria provided, single submitter. Criteria: ACMG Guidelines, 2015. Collection method: clinical testing. Allele origin: germline.
Comment: This missense variant replaces serine with tryptophan at codon 1653 of the RYR1 protein. Computational prediction is inconclusive regarding the impact of this variant on protein structure and function. To our knowledge, functional studies have not been reported for this variant. This variant has not been reported in individuals affected with RYR1-related disorders in the literature. This variant has not been identified in the general population by the Genome Aggregation Database (gnomAD). The available evidence is insufficient to determine the role of this variant in disease conclusively. Therefore, this variant is classified as a Variant of Uncertain Significance.

All of Us Research Program, National Institutes of Health
Classification: Uncertain significance for Malignant hyperthermia, susceptibility to, 1. Last evaluated: 2024-08-06. Review status: criteria provided, single submitter. Criteria: ACMG Guidelines, 2015. Collection method: clinical testing. Allele origin: germline. Inheritance: Autosomal dominant inheritance. Observed: 1 variant allele, 1 heterozygote.
Comment: This study involves interpretation of variants in research participants for the purpose of population health screening. Participant phenotype was not available at the time of variant classification. Additional details can be found in publication PMID: 35346344, PMCID: PMC8962531